The following is an entry in ClinVar:

ClinVar aggregate classification (germline): Uncertain significance (1 of 4 stars; one submission).

Conditions:
Hereditary cancer-predisposing syndrome. Also called: Neoplastic Syndromes, Hereditary; Tumor predisposition; Hereditary Cancer Syndrome; Hereditary neoplastic syndrome. Identifiers: Orphanet 140162, MedGen C0027672, MeSH D009386, MONDO:0015356.

gnomAD v4.1: 1 of 1,613,948 alleles (0.000062%); highest among the groups gnomAD compares: Non-Finnish European, 0.000085%; no homozygotes.

Submission:

Ambry Genetics
Classification: Uncertain significance for Hereditary cancer-predisposing syndrome. Last evaluated: 2026-04-17. Review status: criteria provided, single submitter. Criteria: Ambry Variant Classification Scheme 2023. Collection method: clinical testing. Allele origin: germline.
Comment: The p.D236V variant (also known as c.707A>T), located in coding exon 7 of the SDHB gene, results from an A to T substitution at nucleotide position 707. The aspartic acid at codon 236 is replaced by valine, an amino acid with highly dissimilar properties. This amino acid position is highly conserved in available vertebrate species. In addition, this alteration is predicted to be deleterious by in silico analysis. Based on the available evidence, the clinical significance of this variant remains unclear.

NM_003000.3(SDHB):c.707A>T (p.Asp236Val)

Gene: SDHB (succinate dehydrogenase complex iron sulfur subunit B; minus strand). Cytogenetic location: 1p36.13.
Variant type: single nucleotide variant.
Coding change: c.707A>T on transcript NM_003000.3 (MANE Select); coding-DNA position 707, A replaced by T.
Protein change: p.Asp236Val; replaces aspartic acid 236 with valine.
Molecular consequence: missense variant.
Genome position (GRCh38, 1-based): chr1:17,022,666, T>A on the plus strand (A>T on the coding strand, the complement: SDHB is on the minus strand). VCF-style: chr1-17022666-T-A. GRCh37 (hg19) VCF-style: chr1-17349161-T-A.
Other names: c.653A>T, p.Asp218Val (NM_001407361.1); short protein forms D236V, D218V.
Identifiers: ClinVar variation 3438758 (VCV003438758.2).